The following is an entry in ClinVar:

NM_015559.3(SETBP1):c.1424C>A (p.Ser475Tyr)

Gene: SETBP1 (SET binding protein 1; plus strand). Cytogenetic location: 18q12.3.
Variant type: single nucleotide variant.
Coding change: c.1424C>A on transcript NM_015559.3 (MANE Select); coding-DNA position 1424, C replaced by A.
Protein change: p.Ser475Tyr; replaces serine 475 with tyrosine.
Molecular consequence: missense variant.
Genome position (GRCh38, 1-based): chr18:44,950,764, C>A. VCF-style: chr18-44950764-C-A. GRCh37 (hg19) VCF-style: chr18-42530729-C-A.
Other names: c.1424C>A (NM_015559.2); c.1424C>A, p.Ser475Tyr (NM_001379141.1, NM_001379142.1); short protein forms S475Y.
Identifiers: ClinVar variation 1397223 (VCV001397223.14), dbSNP rs1490796232, ClinGen allele CA402318505.

ClinVar aggregate classification (germline): Conflicting classifications of pathogenicity. Review status: criteria provided, conflicting classifications (1 of 4 stars). 3 submissions from 3 submitters: Uncertain significance (2); Benign (1). Last evaluated 2025-09-01.

Conditions:
Inborn genetic diseases. Identifiers: MedGen C0950123, MeSH D030342.

Allele frequency attached by ClinVar (database versions not stated): gnomAD exomes below 0.00001.
gnomAD v4.1: 2 of 1,614,062 alleles (0.00012%); highest among the groups gnomAD compares: East Asian, 0.0022%; no homozygotes.

Submissions (3):

CeGaT Center for Human Genetics Tuebingen
Classification: Uncertain significance. Last evaluated: 2025-09-01. Review status: criteria provided, single submitter. Criteria: CeGaT Center For Human Genetics Tuebingen Variant Classification Criteria Version 2. Collection method: clinical testing. Allele origin: germline. Affected: yes. Observed: 1 variant allele.
Comment: SETBP1: PM2, BP4

Ambry Genetics
Classification: Uncertain significance for Inborn genetic diseases. Last evaluated: 2023-11-20. Review status: criteria provided, single submitter. Criteria: Ambry Variant Classification Scheme 2023. Collection method: clinical testing. Allele origin: germline.

Labcorp Genetics (formerly Invitae), Labcorp
Classification: Benign. Last evaluated: 2023-01-28. Review status: criteria provided, single submitter. Criteria: Invitae Variant Classification Sherloc (09022015). Collection method: clinical testing. Allele origin: germline.